The following is an entry in ClinVar:

ClinVar aggregate classification (germline): Pathogenic (1 of 4 stars; one submission).

Conditions:
Neuropathy, hereditary sensory and autonomic, type 2A (HSAN2A). Also called: ACROOSTEOLYSIS, GIACCAI TYPE; ACROOSTEOLYSIS, NEUROGENIC; MORVAN DISEASE; NEUROPATHY, CONGENITAL SENSORY; NEUROPATHY, HEREDITARY SENSORY RADICULAR, AUTOSOMAL RECESSIVE; NEUROPATHY, HEREDITARY SENSORY, TYPE IIA. Identifiers: Orphanet 970, MedGen C2752089, MONDO:0024309, OMIM 201300.
Pseudohypoaldosteronism type 2C (PHA2C). Also called: Pseudohypoaldosteronism Type IIC. Identifiers: Orphanet 757, Orphanet 88940, MedGen C1840391, MONDO:0013778, OMIM 614492.

Submission:

Labcorp Genetics (formerly Invitae), Labcorp
Classification: Pathogenic for Neuropathy, hereditary sensory and autonomic, type 2A; Pseudohypoaldosteronism type 2C. Last evaluated: 2022-09-03. Review status: criteria provided, single submitter. Criteria: Invitae Variant Classification Sherloc (09022015). Collection method: clinical testing. Allele origin: germline.
Comment: For these reasons, this variant has been classified as Pathogenic. This variant has not been reported in the literature in individuals affected with WNK1-related conditions. This variant is not present in population databases (gnomAD no frequency). This sequence change creates a premature translational stop signal (p.Leu1070*) in the WNK1 gene. It is expected to result in an absent or disrupted protein product. Loss-of-function variants in WNK1 are known to be pathogenic (PMID: 22910560).

Literature cited by the submitters: PubMed 22910560.

NM_213655.5(WNK1):c.3209T>A (p.Leu1070Ter)

Gene: WNK1 (WNK lysine deficient protein kinase 1; plus strand). Cytogenetic location: 12p13.33.
Variant type: single nucleotide variant.
Coding change: c.3209T>A on transcript NM_213655.5 (MANE Plus Clinical); coding-DNA position 3209, T replaced by A.
Protein change: p.Leu1070Ter; replaces leucine 1070 with a stop codon.
Molecular consequence: nonsense. On other transcripts: intron variant (2).
Genome position (GRCh38, 1-based): chr12:868,680, T>A. VCF-style: chr12-868680-T-A. GRCh37 (hg19) VCF-style: chr12-977846-T-A.
Other names: c.2954T>A, p.Leu985Ter (NM_001184985.2); c.2140-2585T>A (NM_018979.4, NM_014823.3); short protein forms L1070*, L985*.
Identifiers: ClinVar variation 2128894 (VCV002128894.4), dbSNP rs2548798737, ClinGen allele CA383341537.
Genomic context (GRCh38, chr12:868,680, plus strand): 5'-GTGTATTTGAATTTCATGTTCACACACCAAGCTCCTCTTCAGGAGAAGGAGGTGGAATTT[T>A]ACCTCAGCGTGTTTACCGAAATCGGCAGGTTGCAGTGGACTTGAATCAAGAAGAACTGCC-3'